The following is an entry in ClinVar:

ClinVar aggregate classification (germline): Uncertain significance (1 of 4 stars; one submission).

Allele frequency attached by ClinVar (database versions not stated): ExAC 0.00001; gnomAD 0.00001; gnomAD exomes 0.00002; TOPMed 0.00003; ESP Exome Variant Server 0.00008.
gnomAD v4.1: 38 of 1,609,438 alleles (0.0024%); highest among the groups gnomAD compares: South Asian, 0.0033%; no homozygotes.

Submission:

Labcorp Genetics (formerly Invitae), Labcorp
Classification: Uncertain significance. Last evaluated: 2024-10-29. Review status: criteria provided, single submitter. Criteria: Invitae Variant Classification Sherloc (09022015). Collection method: clinical testing. Allele origin: germline.
Comment: This sequence change replaces threonine, which is neutral and polar, with methionine, which is neutral and non-polar, at codon 292 of the MYO18B protein (p.Thr292Met). This variant is present in population databases (rs201944709, gnomAD 0.004%). This variant has not been reported in the literature in individuals affected with MYO18B-related conditions. ClinVar contains an entry for this variant (Variation ID: 1384814). An algorithm developed to predict the effect of missense changes on protein structure and function (PolyPhen-2) suggests that this variant¬†is likely to be tolerated. In summary, the available evidence is currently insufficient to determine the role of this variant in disease. Therefore, it has been classified as a Variant of Uncertain Significance.

NM_032608.7(MYO18B):c.875C>T (p.Thr292Met)

Gene: MYO18B (myosin XVIIIB; plus strand). Cytogenetic location: 22q12.1.
Variant type: single nucleotide variant.
Coding change: c.875C>T on transcript NM_032608.7 (MANE Select); coding-DNA position 875, C replaced by T.
Protein change: p.Thr292Met; replaces threonine 292 with methionine.
Molecular consequence: missense variant.
Genome position (GRCh38, 1-based): chr22:25,768,791, C>T. VCF-style: chr22-25768791-C-T. GRCh37 (hg19) VCF-style: chr22-26164758-C-T.
Other names: c.875C>T, p.Thr292Met (NM_001318245.2); short protein forms T292M.
Identifiers: ClinVar variation 1384814 (VCV001384814.4), dbSNP rs201944709, ClinGen allele CA10159711.